The following is an entry in ClinVar:

ClinVar aggregate classification (germline): Pathogenic. Review status: criteria provided, multiple submitters, no conflicts (2 of 4 stars). 21 submissions from 21 submitters: Pathogenic (19). 2 of the submissions do not count toward it. Last evaluated 2026-01-11.

Conditions:
POMT1-related disorder. Also called: POMT1-related condition; POMT1-related disorders.
Muscular dystrophy-dystroglycanopathy, type C. Identifiers: MedGen CN262500, MONDO:0000173.
Inborn genetic diseases. Identifiers: MedGen C0950123, MeSH D030342.
Autosomal recessive limb-girdle muscular dystrophy. Identifiers: Orphanet 102015, MedGen C2931907, MONDO:0015152.
Autosomal recessive limb-girdle muscular dystrophy type 2K. Also called: MUSCULAR DYSTROPHY-DYSTROGLYCANOPATHY (LIMB-GIRDLE), TYPE C, 1; MUSCULAR DYSTROPHY, LIMB-GIRDLE, TYPE 2K. Identifiers: Orphanet 86812, MedGen C1836373, MONDO:0012248, OMIM 609308.
Muscular dystrophy-dystroglycanopathy (congenital with impaired intellectual development), type B, 1. Also called: MUSCULAR DYSTROPHY, CONGENITAL, POMT1-RELATED; Muscular dystrophy-dystroglycanopathy (congenital with intellectual disability), type B1. Identifiers: MedGen C5436962, MONDO:0013159, OMIM 613155.
Walker-Warburg congenital muscular dystrophy. Also called: Muscular dystrophy-dystroglycanopathy, type A; Walker-Warburg syndrome. Identifiers: Orphanet 899, MedGen C0265221, MONDO:0000171.
Muscular dystrophy-dystroglycanopathy (congenital with brain and eye anomalies), type A1 (MDDGA1). Also called: Muscular dystrophy-dystroglycanopathy (congenital with brain and eye anomalies), type A, 1; Hydrocephalus, agyria and retinal dysplasia; Hard +/- E syndrome; Warburg syndrome; Chemke syndrome; Pagon syndrome. Identifiers: Orphanet 588, Orphanet 899, MedGen C4284790, MONDO:0009364, OMIM 236670.
Abnormal brainstem morphology. Identifiers: MedGen C1850601, HP:0002363.
Ventriculomegaly. Identifiers: MedGen C1531647, HP:0002119.

Submissions 1 to 8 of 21:

Labcorp Genetics (formerly Invitae), Labcorp
Classification: Pathogenic for Muscular dystrophy-dystroglycanopathy (congenital with impaired intellectual development), type B, 1; Walker-Warburg congenital muscular dystrophy; Autosomal recessive limb-girdle muscular dystrophy type 2K. Last evaluated: 2026-01-11. Review status: criteria provided, single submitter. Criteria: Invitae Variant Classification Sherloc (09022015). Collection method: clinical testing. Allele origin: germline.
Comment: This sequence change creates a premature translational stop signal (p.Asp723Glyfs*8) in the POMT1 gene. While this is not anticipated to result in nonsense mediated decay, it is expected to disrupt the last 25 amino acid(s) of the POMT1 protein. This variant is present in population databases (rs767631573, gnomAD 0.1%). This premature translational stop signal has been observed in individuals with congenital muscular dystrophy and/or Walker-Warburg syndrome (PMID: 12369018, 16575835, 17559086, 22323514, 24304607, 24491487). This variant is also known as c.2167InsG, c.2167_2168insG, and p.G722fs. ClinVar contains an entry for this variant (Variation ID: 3255). For these reasons, this variant has been classified as Pathogenic.

GeneDx
Classification: Pathogenic. Last evaluated: 2025-08-26. Review status: criteria provided, single submitter. Criteria: GeneDx Variant Classification Process June 2021. Collection method: clinical testing. Allele origin: germline. Affected: yes.
Comment: Frameshift variant predicted to result in abnormal protein length as the last 25 amino acids are replaced with 7 different amino acids, and other similar variants have been reported in HGMD; This variant is associated with the following publications: (PMID: 30060766, 16575835, 24491487, 22323514, 17559086, 24304607, 31980526, 31589614, 32528171, 32860008, 35229910, 28116189, 31127727, 12369018, 31311558)

Revvity Omics, Revvity
Classification: Pathogenic. Last evaluated: 2024-11-22. Review status: criteria provided, single submitter. Criteria: ACMG Guidelines, 2015. Collection method: clinical testing. Allele origin: germline.

Blueprint Genetics
Classification: Pathogenic for POMT1-related disorders. Last evaluated: 2024-11-20. Review status: criteria provided, single submitter. Criteria: ACMG Guidelines, 2015. Collection method: clinical testing. Allele origin: germline. Affected: yes. Observed: 5 variant alleles.

Victorian Clinical Genetics Services, Murdoch Childrens Research Institute
Classification: Pathogenic for Muscular dystrophy-dystroglycanopathy (congenital with brain and eye anomalies), type A1. Last evaluated: 2024-10-10. Review status: criteria provided, single submitter. Criteria: ACMG Guidelines, 2015. Collection method: clinical testing. Allele origin: germline. Inheritance: Autosomal recessive inheritance.
Comment: Based on the classification scheme VCGS_Germline_v1.3.5, this variant is classified as Pathogenic. Following criteria are met: 0102 - Loss of function is a known mechanism of disease in this gene and is associated with muscular dystrophy-dystroglycanopathy (congenital with brain and eye anomalies) type A1 (MIM#236670), muscular dystrophy-dystroglycanopathy (congenital with intellectual development), type B, 1 (MIM#613155) and muscular dystrophy-dystroglycanopathy (limb-girdle), type C, 1 (MIM#609308). (I) 0106 - This gene is associated with autosomal recessive disease. (I) 0115 - Variants in this gene are known to have variable expressivity. The phenotypic spectrum ranges from the severe Walker-Warburg syndrome (WWS) to milder forms of limb girdle muscular dystrophy (LGMD) (PMID: 31311558; OMIM). (I) 0205 - Variant is predicted to result in a truncated protein (premature termination codon is NOT located at least 54 nucleotides upstream of the final exon-exon junction) with less than 1/3 of the protein sequence affected. (SP) 0251 - This variant is heterozygous. (I) 0304 - Variant is present in gnomAD (v4) <0.01 for a recessive condition (371 heterozygotes, 0 homozygotes). (SP) 0801 - This variant has strong previous evidence of pathogenicity in unrelated individuals. This variant has been reported multiple times as pathogenic in ClinVar. It has also been detected in one infant with limb girdle muscular dystrophy and three affected fetuses with prenatal onset Walker-Warburg syndrome (PMID:31311558). (SP) Legend: (SP) - Supporting pathogenic, (I) - Information, (SB) - Supporting benign

Baylor Genetics
Classification: Pathogenic for Muscular dystrophy-dystroglycanopathy (congenital with brain and eye anomalies), type A1. Last evaluated: 2024-03-30. Review status: criteria provided, single submitter. Criteria: ACMG Guidelines, 2015. Collection method: clinical testing. Allele origin: unknown.

Fulgent Genetics
Classification: Pathogenic for Muscular dystrophy-dystroglycanopathy (congenital with brain and eye anomalies), type A1; Autosomal recessive limb-girdle muscular dystrophy type 2K; Muscular dystrophy-dystroglycanopathy (congenital with impaired intellectual development), type B, 1. Last evaluated: 2024-01-10. Review status: criteria provided, single submitter. Criteria: ACMG Guidelines, 2015. Collection method: clinical testing. Allele origin: germline.

Women's Health and Genetics/Laboratory Corporation of America, LabCorp
Classification: Pathogenic for Autosomal recessive limb-girdle muscular dystrophy. Last evaluated: 2023-10-18. Review status: criteria provided, single submitter. Criteria: LabCorp Variant Classification Summary - May 2015. Collection method: clinical testing. Allele origin: germline.
Comment: Variant summary: POMT1 c.2167dupG (p.Asp723GlyfsX8) results in a premature termination codon in the last exon affecting the last 26 amino acids of the encoded POMT1 protein. Although nonsense mediated decay is not predicted to occur, variants downstream of this position have been classified as pathogenic in ClinVar. The variant allele was found at a frequency of 0.00016 in 248716 control chromosomes. c.2167dupG has been reported in the literature in individuals affected with muscular dystrophy including Walker-Warburg syndrome (e.g. BeltranValterodeBernabe_2002). To our knowledge, no experimental evidence demonstrating an impact on protein function has been reported. The following publication has been ascertained in the context of this evaluation (PMID: 12369018). 13 submitters have cited clinical-significance assessments for this variant to ClinVar after 2014. All submitters classified the variant as pathogenic. Based on the evidence outlined above, the variant was classified as pathogenic.

NM_001077365.2(POMT1):c.2101dup (p.Asp701fs)

Gene: POMT1 (protein O-mannosyltransferase 1; plus strand). Cytogenetic location: 9q34.13.
Variant type: Duplication.
Coding change: c.2101dup on transcript NM_001077365.2 (MANE Select); coding-DNA position 2101, one base duplicated (G; older notation c.2101dupG).
Protein change: p.Asp701fs; shifts the reading frame from aspartic acid 701.
Molecular consequence: frameshift variant. On other transcripts: non-coding transcript variant (10).
Genome position (GRCh38, 1-based): chr9:131,523,029, G duplicated; the last of 4 consecutive G bases (chr9:131,523,026-131,523,029); duplicating any one gives the same sequence. VCF-style (leftmost placement, unchanged base first): chr9-131523025-C-CG. GRCh37 (hg19) VCF-style: chr9-134398412-C-CG.
Other names: NM_001077365.2(POMT1):c.2101dup; p.Asp701fs; c.1939dup, p.Asp647fs (NM_001077366.2, NM_001353194.2); c.2101dup, p.Asp701fs (NM_001136113.2); c.1750dup, p.Asp584fs (NM_001136114.2, NM_001353195.2, NM_001374691.1 and 2 more transcripts); c.2167dup, p.Asp723fs (NM_001353193.2, NM_007171.4); c.2011dup, p.Asp671fs (NM_001353196.2); c.2005dup, p.Asp669fs (NM_001353197.2, NM_001353198.2); and 7 more; short protein forms D606fs, D571fs, D723fs, D549fs, D584fs, D669fs, D671fs, D701fs.
Identifiers: ClinVar variation 3255 (VCV000003255.92), dbSNP rs398124245, ClinGen allele CA222996.